The following is an entry in ClinVar:

ClinVar aggregate classification (germline): Likely benign (1 of 4 stars; one submission).

gnomAD v4.1: 454 of 1,614,196 alleles (0.028%); highest among the groups gnomAD compares: African/African-American, 0.53%; 1 homozygote.

Submission:

CeGaT Center for Human Genetics Tuebingen
Classification: Likely benign. Last evaluated: 2025-03-01. Review status: criteria provided, single submitter. Criteria: CeGaT Center For Human Genetics Tuebingen Variant Classification Criteria Version 2. Collection method: clinical testing. Allele origin: germline. Affected: yes. Observed: 1 variant allele.
Comment: AQP8: BP4, BP7

NM_001169.3(AQP8):c.471G>A (p.Ala157=)

Gene: AQP8 (aquaporin 8; plus strand). Cytogenetic location: 16p12.1.
Variant type: single nucleotide variant.
Coding change: c.471G>A on transcript NM_001169.3 (MANE Select); coding-DNA position 471, G replaced by A.
Protein change: p.Ala157=; no amino-acid change (alanine 157 retained).
Molecular consequence: synonymous variant.
Genome position (GRCh38, 1-based): chr16:25,224,445, G>A. VCF-style: chr16-25224445-G-A. GRCh37 (hg19) VCF-style: chr16-25235766-G-A.
Identifiers: ClinVar variation 3778628 (VCV003778628.7).